The following is an entry in ClinVar:

NM_001252024.2(TRPM1):c.1982T>C (p.Met661Thr)

Gene: TRPM1 (transient receptor potential cation channel subfamily M member 1; minus strand). Cytogenetic location: 15q13.3.
Variant type: single nucleotide variant.
Coding change: c.1982T>C on transcript NM_001252024.2 (MANE Select); coding-DNA position 1982, T replaced by C.
Protein change: p.Met661Thr; replaces methionine 661 with threonine.
Molecular consequence: missense variant.
Genome position (GRCh38, 1-based): chr15:31,042,056, A>G on the plus strand (T>C on the coding strand, the complement: TRPM1 is on the minus strand). VCF-style: chr15-31042056-A-G. GRCh37 (hg19) VCF-style: chr15-31334259-A-G.
Other names: c.2033T>C, p.Met678Thr (NM_001252020.2); c.1916T>C, p.Met639Thr (NM_002420.6); short protein forms M661T, M639T, M678T.
Identifiers: ClinVar variation 4766840 (VCV004766840.1).

ClinVar aggregate classification (germline): Uncertain significance (1 of 4 stars; one submission).

gnomAD v4.1: 2 of 1,613,952 alleles (0.00012%); highest among the groups gnomAD compares: African/African-American, 0.0027%; no homozygotes.

Submission:

Labcorp Genetics (formerly Invitae), Labcorp
Classification: Uncertain significance. Last evaluated: 2025-10-01. Review status: criteria provided, single submitter. Criteria: Invitae Variant Classification Sherloc (09022015). Collection method: clinical testing. Allele origin: germline.
Comment: This sequence change replaces methionine, which is neutral and non-polar, with threonine, which is neutral and polar, at codon 639 of the TRPM1 protein (p.Met639Thr). This variant is present in population databases (rs773621691, gnomAD 0.01%). This variant has not been reported in the literature in individuals affected with TRPM1-related conditions. Invitae Evidence Modeling of protein sequence and biophysical properties (such as structural, functional, and spatial information, amino acid conservation, physicochemical variation, residue mobility, and thermodynamic stability) has been performed for this missense variant. However, the output from this modeling did not meet the statistical confidence thresholds required to predict the impact of this variant on TRPM1 protein function. In summary, the available evidence is currently insufficient to determine the role of this variant in disease. Therefore, it has been classified as a Variant of Uncertain Significance.